The following is an entry in ClinVar:

ClinVar aggregate classification (germline): Uncertain significance (1 of 4 stars; one submission).

Conditions:
Hyperkalemic periodic paralysis. Also called: Familial hyperkalemic periodic paralysis; Gamstorp disease. Identifiers: Orphanet 682, MedGen C0238357, MONDO:0008224, OMIM 170500, HP:0007215.

Submission:

Labcorp Genetics (formerly Invitae), Labcorp
Classification: Uncertain significance for Hyperkalemic periodic paralysis. Last evaluated: 2024-10-25. Review status: criteria provided, single submitter. Criteria: Invitae Variant Classification Sherloc (09022015). Collection method: clinical testing. Allele origin: germline.
Comment: This sequence change replaces lysine, which is basic and polar, with arginine, which is basic and polar, at codon 1303 of the SCN4A protein (p.Lys1303Arg). This variant is not present in population databases (gnomAD no frequency). This variant has not been reported in the literature in individuals affected with SCN4A-related conditions. Invitae Evidence Modeling of protein sequence and biophysical properties (such as structural, functional, and spatial information, amino acid conservation, physicochemical variation, residue mobility, and thermodynamic stability) indicates that this missense variant is not expected to disrupt SCN4A protein function with a negative predictive value of 95%. In summary, the available evidence is currently insufficient to determine the role of this variant in disease. Therefore, it has been classified as a Variant of Uncertain Significance.

NM_000334.4(SCN4A):c.3908A>G (p.Lys1303Arg)

Genes: GH-LCR (growth hormone locus control region; plus strand), SCN4A (sodium voltage-gated channel alpha subunit 4; minus strand). Cytogenetic location: 17q23.3.
Variant type: single nucleotide variant.
Coding change: c.3908A>G on transcript NM_000334.4 (MANE Select); coding-DNA position 3908, A replaced by G.
Protein change: p.Lys1303Arg; replaces lysine 1303 with arginine.
Molecular consequence: missense variant.
Genome position (GRCh38, 1-based): chr17:63,944,677, T>C on the plus strand (A>G on the coding strand, the complement: SCN4A is on the minus strand). VCF-style: chr17-63944677-T-C. GRCh37 (hg19) VCF-style: chr17-62022037-T-C.
Other names: short protein forms K1303R.
Identifiers: ClinVar variation 2764896 (VCV002764896.3), dbSNP rs2509289049, ClinGen allele CA400617215.